The following is an entry in ClinVar:

NM_000551.4(VHL):c.384T>C (p.Leu128=)

Genes: VHL (von Hippel-Lindau tumor suppressor; plus strand), LOC107303340 (3p25 von Hippel-Lindau tumor suppressor, E3 ubiquitin protein ligase Alu-mediated recombination region; plus strand). Cytogenetic location: 3p25.3.
Variant type: single nucleotide variant.
Coding change: c.384T>C on transcript NM_000551.4 (MANE Select); coding-DNA position 384, T replaced by C.
Protein change: p.Leu128=; no amino-acid change (leucine 128 retained).
Molecular consequence: synonymous variant. On other transcripts: non-coding transcript variant (1), intron variant (2).
Genome position (GRCh38, 1-based): chr3:10,146,557, T>C. VCF-style: chr3-10146557-T-C. GRCh37 (hg19) VCF-style: chr3-10188241-T-C.
Other names: c.*18-3230T>C (NM_001354723.2); c.341-3230T>C (NM_198156.3).
Identifiers: ClinVar variation 4071345 (VCV004071345.1).

ClinVar aggregate classification (germline): Benign (1 of 4 stars; one submission).

Conditions:
Von Hippel-Lindau syndrome (VHLS). Also called: Von Hippel-Lindau; von Hippel–Lindau syndrome; VHL syndrome. Identifiers: Orphanet 892, MedGen C0019562, MONDO:0008667, OMIM 193300. Disease mechanism: loss of function.

Submission:

Myriad Genetics, Inc.
Classification: Benign for Von Hippel-Lindau syndrome. Last evaluated: 2025-06-12. Review status: criteria provided, single submitter. Criteria: Myriad Autosomal Dominant, Autosomal Recessive and X-Linked Classification Criteria (2023). Collection method: clinical testing. Allele origin: unknown.
Comment: This variant is considered benign. This variant is a silent/synonymous amino acid change and it is not expected to impact splicing.